The following is an entry in ClinVar:

ClinVar aggregate classification (germline): Pathogenic/Likely pathogenic. Review status: criteria provided, multiple submitters, no conflicts (2 of 4 stars). 10 submissions from 10 submitters: Pathogenic (7); Likely pathogenic (1). 2 of the submissions do not count toward it. Last evaluated 2026-02-02.

Conditions:
VPS13B-related disorder. Also called: VPS13B-related condition.
Cohen syndrome (COH1). Also called: PEPPER SYNDROME; Cutis verticis gyrata, retinitis pigmentosa, and sensorineural deafness. Identifiers: Orphanet 193, MedGen C0265223, MONDO:0008999, OMIM 216550.

Allele frequency attached by ClinVar (database versions not stated): ExAC 0.00001; gnomAD 0.00001.
gnomAD v4.1: 6 of 1,613,934 alleles (0.00037%); highest among the groups gnomAD compares: East Asian, 0.0022%; no homozygotes.

Submissions (10):

Labcorp Genetics (formerly Invitae), Labcorp
Classification: Pathogenic for Cohen syndrome. Last evaluated: 2026-02-02. Review status: criteria provided, single submitter. Criteria: Invitae Variant Classification Sherloc (09022015). Collection method: clinical testing. Allele origin: germline.
Comment: This sequence change creates a premature translational stop signal (p.Arg692*) in the VPS13B gene. It is expected to result in an absent or disrupted protein product. Loss-of-function variants in VPS13B are known to be pathogenic (PMID: 15141358, 16648375, 20461111). This variant is present in population databases (rs180177356, gnomAD 0.007%). This premature translational stop signal has been observed in individuals with Cohen syndrome (PMID: 12730828, 16648375, 20656880). ClinVar contains an entry for this variant (Variation ID: 56650). Algorithms developed to predict the effect of sequence changes on RNA splicing suggest that this variant may disrupt the consensus splice site. For these reasons, this variant has been classified as Pathogenic.

GeneDx
Classification: Pathogenic. Last evaluated: 2025-08-04. Review status: criteria provided, single submitter. Criteria: GeneDx Variant Classification Process June 2021. Collection method: clinical testing. Allele origin: germline. Affected: yes.
Comment: Identified in individuals with Cohen syndrome in the published literature (PMID: 16648375, 30843084, 12730828); Not observed at significant frequency in large population cohorts (gnomAD); Nonsense variant predicted to result in protein truncation or nonsense mediated decay in a gene for which loss of function is a known mechanism of disease; This variant is associated with the following publications: (PMID: 32919079, 16648375, 12730828, 25525159, 31589614, 20656880, 30843084, 15141358, Gnanasekaran H 2024[caserep], 20461111)

Natera, Inc.
Classification: Pathogenic for Cohen syndrome. Last evaluated: 2025-01-16. Review status: criteria provided, single submitter. Criteria: Natera Variant Classification Schema (03/2026). Collection method: clinical testing. Allele origin: germline.
Comment: The c.2074C>T variant in VPS13B is a nonsense variant predicted to introduce a stop codon at amino acid 692. This variant is expected to result in nonsense mediated decay, truncation, or a dysfunctional protein product. This variant is rare in the general population with a frequency below the threshold expected for the associated phenotype(s). This variant has been observed in one or more individuals affected with the associated recessive disease, as either homozygous or compound heterozygous with a second variant (PMID: 16648375). Given the available evidence, this variant is classified as Pathogenic.

3billion
Classification: Pathogenic for Cohen syndrome. Last evaluated: 2023-06-09. Review status: criteria provided, single submitter. Criteria: ACMG Guidelines, 2015. Collection method: clinical testing. Allele origin: germline. Affected: yes.
Comment: The variant is observed at an extremely low frequency in the gnomAD v2.1.1 dataset (total allele frequency: <0.001%). Predicted Consequence/Location: Stop-gained (nonsense): predicted to result in a loss or disruption of normal protein function through nonsense-mediated decay (NMD) or protein truncation. Multiple pathogenic variants are reported downstream of the variant. The variant has been reported to co-segregate with the disease in at least one similarly affected relative/individual in the same family or similarly affected unrelated family (PMID: 20656880). The variant has been reported at least twice as pathogenic with clinical assertions and evidence for the classification (ClinVar ID: VCV000056650 /PMID: 12730828). Therefore, this variant is classified as Pathogenic according to the recommendation of ACMG/AMP guideline.

Blueprint Genetics
Classification: Pathogenic for VPS13B-related disorders. Last evaluated: 2022-03-17. Review status: criteria provided, single submitter. Criteria: ACMG Guidelines, 2015. Collection method: clinical testing. Allele origin: germline. Affected: yes. Observed: 5 variant alleles.

Women's Health and Genetics/Laboratory Corporation of America, LabCorp
Classification: Pathogenic for Cohen syndrome. Last evaluated: 2021-02-25. Review status: criteria provided, single submitter. Criteria: LabCorp Variant Classification Summary - May 2015. Collection method: clinical testing. Allele origin: germline.
Comment: Variant summary: VPS13B c.2074C>T (p.Arg692X) results in a premature termination codon, predicted to cause a truncation of the encoded protein or absence of the protein due to nonsense mediated decay, which are commonly known mechanisms for disease. Truncations downstream of this position have been classified as pathogenic by our laboratory. The variant allele was found at a frequency of 8e-06 in 251308 control chromosomes. c.2074C>T has been reported in the literature in individuals affected with Cohen Syndrome (eg. Duplomb_2019, Kolehmainen_2003, Huang_2020). Three clinical diagnostic laboratories have submitted clinical-significance assessments for this variant to ClinVar after 2014 without evidence for independent evaluation. All laboratories classified the variant as pathogenic. Based on the evidence outlined above, the variant was classified as pathogenic.

New York Genome Center
Classification: Likely pathogenic for Cohen syndrome. Last evaluated: 2020-06-05. Review status: criteria provided, single submitter. Criteria: NYGC Assertion Criteria 2020. Collection method: clinical testing. Allele origin: germline. Observed: 1 heterozygote. Study: CSER-NYCKidSeq.

Genetic Services Laboratory, University of Chicago
Classification: Pathogenic for Cohen syndrome. Last evaluated: 2015-05-26. Review status: criteria provided, single submitter. Criteria: ACMG Guidelines, 2015. Collection method: clinical testing. Allele origin: germline. Affected: yes.

Juha Muilu Group; Institute for Molecular Medicine Finland (FIMM)
Classification: Likely pathogenic for Cohen syndrome. Review status: no assertion criteria provided. Collection method: not provided. Allele origin: unknown. Not counted in ClinVar's aggregate classification.
Comment: FinDis database variant: This variant was not found or characterized by our laboratory, data were collected from public sources: see reference
ClinVar note: Converted during submission from probable-pathogenic to Likely pathogenic.

SNPedia
Classification: Pathogenic. Review status: no assertion criteria provided. Collection method: not provided. Allele origin: germline. Not counted in ClinVar's aggregate classification.
ClinVar note: Converted during submission from pathogenic to Pathogenic.

Literature cited by the submitters: PubMed 15141358 (cited by Labcorp Genetics (formerly Invitae), Labcorp); PubMed 16648375 (cited by 3 submitters); PubMed 20461111 (cited by Labcorp Genetics (formerly Invitae), Labcorp); PubMed 12730828 (cited by 3 submitters); PubMed 20656880 (cited by 3 submitters); PubMed 30843084 (cited by Women's Health and Genetics/Laboratory Corporation of America, LabCorp); PubMed 32919079 (cited by Women's Health and Genetics/Laboratory Corporation of America, LabCorp).

NM_152564.5(VPS13B):c.2074C>T (p.Arg692Ter)

Gene: VPS13B (vacuolar protein sorting 13 homolog B; plus strand). Cytogenetic location: 8q22.2.
Variant type: single nucleotide variant.
Coding change: c.2074C>T on transcript NM_152564.5 (MANE Select); coding-DNA position 2074, C replaced by T.
Protein change: p.Arg692Ter; replaces arginine 692 with a stop codon.
Molecular consequence: nonsense.
Genome position (GRCh38, 1-based): chr8:99,156,609, C>T. VCF-style: chr8-99156609-C-T. GRCh37 (hg19) VCF-style: chr8-100168837-C-T.
Other names: c.2074C>T, p.Arg692Ter (NM_015243.3, NM_017890.5); short protein forms R692*.
Identifiers: ClinVar variation 56650 (VCV000056650.25), dbSNP rs180177356, ClinGen allele CA264042.